The following is an entry in ClinVar:

NM_007186.6(CEP250):c.6949G>A (p.Ala2317Thr)

Gene: CEP250 (centrosomal protein 250; plus strand). Cytogenetic location: 20q11.22.
Variant type: single nucleotide variant.
Coding change: c.6949G>A on transcript NM_007186.6 (MANE Select); coding-DNA position 6949, G replaced by A.
Protein change: p.Ala2317Thr; replaces alanine 2317 with threonine.
Molecular consequence: missense variant.
Genome position (GRCh38, 1-based): chr20:35,508,985, G>A. VCF-style: chr20-35508985-G-A. GRCh37 (hg19) VCF-style: chr20-34096814-G-A.
Other names: c.6949G>A (NM_007186.3); c.5053G>A, p.Ala1685Thr (NM_001318219.1); short protein forms A1685T, A2317T.
Identifiers: ClinVar variation 1997713 (VCV001997713.5), dbSNP rs2516363768, ClinGen allele CA408760208.

ClinVar aggregate classification (germline): Uncertain significance. Review status: criteria provided, multiple submitters, no conflicts (2 of 4 stars). 2 submissions from 2 submitters: Uncertain significance (2). Last evaluated 2025-04-13.

Submissions (2):

Ambry Genetics
Classification: Uncertain significance. Last evaluated: 2025-04-13. Review status: criteria provided, single submitter. Criteria: Ambry Variant Classification Scheme 2023. Collection method: clinical testing. Allele origin: germline.

Labcorp Genetics (formerly Invitae), Labcorp
Classification: Uncertain significance. Last evaluated: 2022-05-21. Review status: criteria provided, single submitter. Criteria: Invitae Variant Classification Sherloc (09022015). Collection method: clinical testing. Allele origin: germline.
Comment: In summary, the available evidence is currently insufficient to determine the role of this variant in disease. Therefore, it has been classified as a Variant of Uncertain Significance. Algorithms developed to predict the effect of missense changes on protein structure and function output the following: SIFT: "Not Available"; PolyPhen-2: "Benign"; Align-GVGD: "Not Available". The threonine amino acid residue is found in multiple mammalian species, which suggests that this missense change does not adversely affect protein function. This variant has not been reported in the literature in individuals affected with CEP250-related conditions. This variant is not present in population databases (gnomAD no frequency). This sequence change replaces alanine, which is neutral and non-polar, with threonine, which is neutral and polar, at codon 2317 of the CEP250 protein (p.Ala2317Thr).